The following is an entry in ClinVar:

NM_001024630.4(RUNX2):c.*3426C>T

Gene: RUNX2 (RUNX family transcription factor 2; plus strand). Cytogenetic location: 6p21.1.
Variant type: single nucleotide variant.
Coding change: c.*3426C>T on transcript NM_001024630.4 (MANE Select); 3426 bases downstream of the stop codon, C replaced by T.
Molecular consequence: 3 prime UTR variant.
Genome position (GRCh38, 1-based): chr6:45,550,731, C>T. VCF-style: chr6-45550731-C-T. GRCh37 (hg19) VCF-style: chr6-45518468-C-T.
Other names: c.*3426C>T (NM_001015051.4, NM_001278478.2, NM_001369405.1).
Identifiers: ClinVar variation 908516 (VCV000908516.4), dbSNP rs534970370, ClinGen allele CA138461118.

ClinVar aggregate classification (germline): Benign (1 of 4 stars; one submission).

Conditions:
Cleidocranial dysostosis (CLCD1). Also called: Marie-Sainton disease; cleidocranial dysplasia 1; Cleidocranial Dysplasia Spectrum Disorder. Identifiers: Orphanet 1452, MedGen C0008928, MONDO:0007340, OMIM 119600.

Allele frequency attached by ClinVar (database versions not stated): gnomAD 0.00003 and 0.00023; TOPMed 0.00003; 1000 Genomes Project 0.00060; 1000 Genomes Project 30x 0.00078.

Submission:

Illumina Laboratory Services, Illumina
Classification: Benign for Cleidocranial dysostosis. Last evaluated: 2018-01-12. Review status: criteria provided, single submitter. Criteria: ICSL Variant Classification Criteria 13 December 2019. Collection method: clinical testing. Allele origin: germline.
Comment: This variant was observed in the ICSL laboratory as part of a predisposition screen in an ostensibly healthy population. It had not been previously curated by ICSL or reported in the Human Gene Mutation Database (HGMD: prior to June 1st, 2018), and was therefore a candidate for classification through an automated scoring system. Utilizing variant allele frequency, disease prevalence and penetrance estimates, and inheritance mode, an automated score was calculated to assess if this variant is too frequent to cause the disease. Based on the score and internal cut-off values, a variant classified as benign is not then subjected to further curation. The score for this variant resulted in a classification of benign for this disease.